The following is an entry in ClinVar:

NM_000143.4(FH):c.1243A>C (p.Asn415His)

Gene: FH (fumarate hydratase; minus strand). Cytogenetic location: 1q43.
Variant type: single nucleotide variant.
Coding change: c.1243A>C on transcript NM_000143.4 (MANE Select); coding-DNA position 1243, A replaced by C.
Protein change: p.Asn415His; replaces asparagine 415 with histidine.
Molecular consequence: missense variant.
Genome position (GRCh38, 1-based): chr1:241,500,584, T>G on the plus strand (A>C on the coding strand, the complement: FH is on the minus strand). VCF-style: chr1-241500584-T-G. GRCh37 (hg19) VCF-style: chr1-241663884-T-G.
Other names: short protein forms N415H.
Identifiers: ClinVar variation 1523416 (VCV001523416.8), dbSNP rs1659748903, ClinGen allele CA345436934.

ClinVar aggregate classification (germline): Uncertain significance (1 of 4 stars; one submission).

Submission:

Labcorp Genetics (formerly Invitae), Labcorp
Classification: Uncertain significance. Last evaluated: 2021-04-05. Review status: criteria provided, single submitter. Criteria: Invitae Variant Classification Sherloc (09022015). Collection method: clinical testing. Allele origin: germline.
Comment: In summary, the available evidence is currently insufficient to determine the role of this variant in disease. Therefore, it has been classified as a Variant of Uncertain Significance. Advanced modeling of protein sequence and biophysical properties (such as structural, functional, and spatial information, amino acid conservation, physicochemical variation, residue mobility, and thermodynamic stability) performed at Invitae indicates that this missense variant is expected to disrupt FH protein function. This variant has not been reported in the literature in individuals with FH-related conditions. This variant is not present in population databases (ExAC no frequency). This sequence change replaces asparagine with histidine at codon 415 of the FH protein (p.Asn415His). The asparagine residue is highly conserved and there is a small physicochemical difference between asparagine and histidine.